The following is an entry in ClinVar:

ClinVar aggregate classification (germline): Uncertain significance (0 of 4 stars; one submission).

Conditions:
TNFRSF6B-related disorder. Also called: TNFRSF6B-related condition.

Allele frequency attached by ClinVar (database versions not stated): gnomAD exomes below 0.00001.
gnomAD v4.1: 1 of 1,606,632 alleles (0.000062%); highest among the groups gnomAD compares: Middle Eastern, 0.017%; no homozygotes.

Submission:

PreventionGenetics, part of Exact Sciences
Classification: Uncertain significance for TNFRSF6B-related condition. Last evaluated: 2023-11-08. Review status: no assertion criteria provided. Collection method: clinical testing. Allele origin: germline.
Comment: The TNFRSF6B c.34C>G variant is predicted to result in the amino acid substitution p.Leu12Val. To our knowledge, this variant has not been reported in the literature or in a large population database, indicating this variant is rare. At this time, the clinical significance of this variant is uncertain due to the absence of conclusive functional and genetic evidence.

NM_003823.4(TNFRSF6B):c.34C>G (p.Leu12Val)

Genes: RTEL1-TNFRSF6B (RTEL1-TNFRSF6B readthrough (NMD candidate); plus strand), TNFRSF6B (TNF receptor superfamily member 6b; plus strand). Cytogenetic location: 20q13.33.
Variant type: single nucleotide variant.
Coding change: c.34C>G on transcript NM_003823.4 (MANE Select); coding-DNA position 34, C replaced by G.
Protein change: p.Leu12Val; replaces leucine 12 with valine.
Molecular consequence: missense variant. On other transcripts: non-coding transcript variant (1).
Genome position (GRCh38, 1-based): chr20:63,696,801, C>G. VCF-style: chr20-63696801-C-G. GRCh37 (hg19) VCF-style: chr20-62328154-C-G.
Other names: short protein forms L12V.
Identifiers: ClinVar variation 3031681 (VCV003031681.2), dbSNP rs1261654402, ClinGen allele CA409710649.